The following is an entry in ClinVar:

NM_020812.4(DOCK6):c.4977del (p.Ile1660fs)

Genes: DOCK6 (dedicator of cytokinesis 6; minus strand), DOCK6-AS1 (DOCK6 antisense RNA 1; plus strand). Cytogenetic location: 19p13.2.
Variant type: Deletion.
Coding change: c.4977del on transcript NM_020812.4 (MANE Select); coding-DNA position 4977, one base deleted (C; older notation c.4977delC).
Protein change: p.Ile1660fs; shifts the reading frame from isoleucine 1660.
Molecular consequence: frameshift variant.
Genome position (GRCh38, 1-based): chr19:11,208,797, G deleted on the plus strand (C on the coding strand, the reverse complement: DOCK6 is on the minus strand); the first of 2 consecutive G bases (chr19:11,208,797-11,208,798); deleting either gives the same sequence. VCF-style (leftmost placement, unchanged base first): chr19-11208796-TG-T. GRCh37 (hg19) VCF-style: chr19-11319472-TG-T.
Other names: c.5082del, p.Ile1695fs (NM_001367830.1); short protein forms I1695fs, I1660fs.
Identifiers: ClinVar variation 3684370 (VCV003684370.2).
Genomic context (GRCh38, chr19:11,208,796, plus strand): 5'-CAGTGAAGTGCTTCCCGGAGCAGAAGCCCTCCTCGTCGGGCGACAGGATGTCGTCGGAGA[TG>T]GCGGACTCCTCTAGCACGTTGGATGAGATGTTCTGGGGTGGGAGAGGTGGCGTCAGACCC-3'

ClinVar aggregate classification (germline): Pathogenic (1 of 4 stars; one submission).

Submission:

Labcorp Genetics (formerly Invitae), Labcorp
Classification: Pathogenic. Last evaluated: 2025-01-11. Review status: criteria provided, single submitter. Criteria: Invitae Variant Classification Sherloc (09022015). Collection method: clinical testing. Allele origin: germline.
Comment: This sequence change creates a premature translational stop signal (p.Ile1660Serfs*25) in the DOCK6 gene. It is expected to result in an absent or disrupted protein product. Loss-of-function variants in DOCK6 are known to be pathogenic (PMID: 21820096, 25824905). This variant is not present in population databases (gnomAD no frequency). This variant has not been reported in the literature in individuals affected with DOCK6-related conditions. For these reasons, this variant has been classified as Pathogenic.

Literature cited by the submitters: PubMed 21820096; PubMed 25824905.